The following is an entry in ClinVar:

NM_032447.5(FBN3):c.2588C>T (p.Thr863Met)

Gene: FBN3 (fibrillin 3; minus strand). Cytogenetic location: 19p13.2.
Variant type: single nucleotide variant.
Coding change: c.2588C>T on transcript NM_032447.5 (MANE Select); coding-DNA position 2588, C replaced by T.
Protein change: p.Thr863Met; replaces threonine 863 with methionine.
Molecular consequence: missense variant.
Genome position (GRCh38, 1-based): chr19:8,126,314, G>A on the plus strand (C>T on the coding strand, the complement: FBN3 is on the minus strand). VCF-style: chr19-8126314-G-A. GRCh37 (hg19) VCF-style: chr19-8191198-G-A.
Other names: c.2588C>T, p.Thr863Met (NM_001321431.2); c.2588C>T (NM_032447.3); short protein forms T863M.
Identifiers: ClinVar variation 2170814 (VCV002170814.11), dbSNP rs139953945, ClinGen allele CA9152808.
Genomic context (GRCh38, chr19:8,126,314, plus strand): 5'-GGCTCTGGAGTAGGGGGTGAGCTGGACACGGGCAGGCAGTTACCATCGCAGGTGACACCC[G>A]TCATCCGGGCAAAGCCCCGGGCACAGGCAGGGTCTGCAACTGGGAGAACAAGAGTGAAGA-3'
Protein context (NP_115823.3, residues 853-873): PACARGFARM[Thr863Met]GVTCDDVNEC

ClinVar aggregate classification (germline): Uncertain significance. Review status: criteria provided, multiple submitters, no conflicts (2 of 4 stars). 3 submissions from 3 submitters: Uncertain significance (3). Last evaluated 2025-07-01.

Allele frequency attached by ClinVar (database versions not stated): gnomAD exomes 0.00003; ESP Exome Variant Server 0.00015; 1000 Genomes Project 0.00020; ExAC 0.00021; gnomAD 0.00021; TOPMed 0.00023; 1000 Genomes Project 30x 0.00031.
gnomAD v4.1: 84 of 1,589,314 alleles (0.0053%); highest among the groups gnomAD compares: African/African-American, 0.051%; no homozygotes.

Submissions (3):

CeGaT Center for Human Genetics Tuebingen
Classification: Uncertain significance. Last evaluated: 2025-07-01. Review status: criteria provided, single submitter. Criteria: CeGaT Center For Human Genetics Tuebingen Variant Classification Criteria Version 2. Collection method: clinical testing. Allele origin: germline. Affected: yes. Observed: 1 variant allele.
Comment: FBN3: PM2, BP4

Labcorp Genetics (formerly Invitae), Labcorp
Classification: Uncertain significance. Last evaluated: 2022-12-22. Review status: criteria provided, single submitter. Criteria: Invitae Variant Classification Sherloc (09022015). Collection method: clinical testing. Allele origin: germline.
Comment: In summary, the available evidence is currently insufficient to determine the role of this variant in disease. Therefore, it has been classified as a Variant of Uncertain Significance. Advanced modeling of protein sequence and biophysical properties (such as structural, functional, and spatial information, amino acid conservation, physicochemical variation, residue mobility, and thermodynamic stability) performed at Invitae indicates that this missense variant is not expected to disrupt FBN3 protein function. This variant has not been reported in the literature in individuals affected with FBN3-related conditions. This variant is present in population databases (rs139953945, gnomAD 0.08%), and has an allele count higher than expected for a pathogenic variant. This sequence change replaces threonine, which is neutral and polar, with methionine, which is neutral and non-polar, at codon 863 of the FBN3 protein (p.Thr863Met).

Ambry Genetics
Classification: Uncertain significance. Last evaluated: 2021-08-13. Review status: criteria provided, single submitter. Criteria: Ambry Variant Classification Scheme 2023. Collection method: clinical testing. Allele origin: germline.